The following is an entry in ClinVar:

ClinVar aggregate classification (germline): Likely benign. Review status: criteria provided, multiple submitters, no conflicts (2 of 4 stars). 2 submissions from 2 submitters: Likely benign (2). Last evaluated 2026-01-26.

Conditions:
Combined oxidative phosphorylation defect type 17. Also called: Combined oxidative phosphorylation deficiency 17. Identifiers: Orphanet 369913, MedGen C3809526, MONDO:0014190, OMIM 615440.

Allele frequency attached by ClinVar (database versions not stated): gnomAD exomes 0.00002 and 0.00004; ExAC 0.00004; 1000 Genomes Project 30x 0.00016; TOPMed 0.00019; 1000 Genomes Project 0.00020; gnomAD 0.00022 and 0.00025.
gnomAD v4.1: 69 of 1,612,388 alleles (0.0043%); highest among the groups gnomAD compares: African/African-American, 0.085%; no homozygotes.

Submissions (2):

Labcorp Genetics (formerly Invitae), Labcorp
Classification: Likely benign for Combined oxidative phosphorylation defect type 17. Last evaluated: 2026-01-26. Review status: criteria provided, single submitter. Criteria: Invitae Variant Classification Sherloc (09022015). Collection method: clinical testing. Allele origin: germline.

CeGaT Center for Human Genetics Tuebingen
Classification: Likely benign. Last evaluated: 2022-03-01. Review status: criteria provided, single submitter. Criteria: CeGaT Center For Human Genetics Tuebingen Variant Classification Criteria Version 2. Collection method: clinical testing. Allele origin: germline. Affected: yes. Observed: 1 variant allele.
Comment: ELAC2: BP4

NM_018127.7(ELAC2):c.367+7A>G

Gene: ELAC2 (elaC ribonuclease Z 2; minus strand). Cytogenetic location: 17p12.
Variant type: single nucleotide variant.
Coding change: c.367+7A>G on transcript NM_018127.7 (MANE Select); 7 bases into the intron after coding-DNA position 367, A replaced by G.
Molecular consequence: intron variant.
Genome position (GRCh38, 1-based): chr17:13,016,855, T>C on the plus strand (A>G on the coding strand, the complement: ELAC2 is on the minus strand). VCF-style: chr17-13016855-T-C. GRCh37 (hg19) VCF-style: chr17-12920172-T-C.
Other names: c.367+7A>G (NM_001165962.2, NM_173717.2).
Identifiers: ClinVar variation 700816 (VCV000700816.30), dbSNP rs113628680, ClinGen allele CA8401709.